The following is an entry in ClinVar:

ClinVar aggregate classification (germline): Benign. Review status: criteria provided, single submitter (1 of 4 stars). 2 submissions from 1 submitter: Benign (2). Last evaluated 2018-01-13.

Conditions:
Waardenburg syndrome. Also called: Waardenburg's syndrome. Identifiers: Orphanet 3440, MedGen C3266898, MONDO:0018094.
PCWH syndrome. Also called: WAARDENBURG-SHAH SYNDROME, NEUROLOGIC VARIANT. Identifiers: Orphanet 163746, MedGen C1836727, MONDO:0012198, OMIM 609136.

Allele frequency attached by ClinVar (database versions not stated): gnomAD 0.00070 and 0.00001; 1000 Genomes Project 0.00579; TOPMed 0.00002; 1000 Genomes Project 30x 0.00578.
gnomAD v4.1: 108 of 155,500 alleles (0.069%); highest among the groups gnomAD compares: South Asian, 2.1%; 1 homozygote.

Submissions (2):

Illumina Laboratory Services, Illumina
Classification: Benign for PCWH syndrome. Last evaluated: 2018-01-13. Review status: criteria provided, single submitter. Criteria: ICSL Variant Classification Criteria 13 December 2019. Collection method: clinical testing. Allele origin: germline.
Comment: This variant was observed in the ICSL laboratory as part of a predisposition screen in an ostensibly healthy population. It had not been previously curated by ICSL or reported in the Human Gene Mutation Database (HGMD: prior to June 1st, 2018), and was therefore a candidate for classification through an automated scoring system. Utilizing variant allele frequency, disease prevalence and penetrance estimates, and inheritance mode, an automated score was calculated to assess if this variant is too frequent to cause the disease. Based on the score and internal cut-off values, a variant classified as benign is not then subjected to further curation. The score for this variant resulted in a classification of benign for this disease.

Illumina Laboratory Services, Illumina
Classification: Benign for Waardenburg syndrome. Last evaluated: 2018-01-13. Review status: criteria provided, single submitter. Criteria: ICSL Variant Classification Criteria 13 December 2019. Collection method: clinical testing. Allele origin: germline.
Comment: the same text as in the submission from Illumina Laboratory Services, Illumina above.

NM_006941.4(SOX10):c.*537G>C

Genes: POLR2F (RNA polymerase II, I and III subunit F; plus strand), SOX10 (SRY-box transcription factor 10; minus strand). Cytogenetic location: 22q13.1.
Variant type: single nucleotide variant.
Coding change: c.*537G>C on transcript NM_006941.4 (MANE Select); 537 bases downstream of the stop codon, G replaced by C.
Molecular consequence: 3 prime UTR variant. On other transcripts: intron variant (3).
Genome position (GRCh38, 1-based): chr22:37,972,958, C>G on the plus strand (G>C on the coding strand, the complement: SOX10 is on the minus strand). VCF-style: chr22-37972958-C-G. GRCh37 (hg19) VCF-style: chr22-38368965-C-G.
Other names: c.*38+648C>G (NM_001363825.1); c.293+5788C>G (NM_001301130.2, NM_001301131.2).
Identifiers: ClinVar variation 341613 (VCV000341613.7), dbSNP rs565069012, ClinGen allele CA10654119.